The following is an entry in ClinVar:

NM_002661.5(PLCG2):c.3745T>G (p.Cys1249Gly)

Gene: PLCG2 (phospholipase C gamma 2; plus strand). Cytogenetic location: 16q23.3.
Variant type: single nucleotide variant.
Coding change: c.3745T>G on transcript NM_002661.5 (MANE Select); coding-DNA position 3745, T replaced by G.
Protein change: p.Cys1249Gly; replaces cysteine 1249 with glycine.
Molecular consequence: missense variant.
Genome position (GRCh38, 1-based): chr16:81,956,869, T>G. VCF-style: chr16-81956869-T-G. GRCh37 (hg19) VCF-style: chr16-81990474-T-G.
Other names: c.3745T>G, p.Cys1249Gly (NM_001425749.1, NM_001425750.1, NM_001425751.1); short protein forms C1249G.
Identifiers: ClinVar variation 3367727 (VCV003367727.1).

ClinVar aggregate classification (germline): Uncertain significance (1 of 4 stars; one submission).

Submission:

GeneDx
Classification: Uncertain significance. Last evaluated: 2024-01-10. Review status: criteria provided, single submitter. Criteria: GeneDx Variant Classification Process June 2021. Collection method: clinical testing. Allele origin: germline. Affected: yes.
Comment: Not observed at significant frequency in large population cohorts (gnomAD); In silico analysis supports that this missense variant has a deleterious effect on protein structure/function; Has not been previously published as pathogenic or benign to our knowledge